The following is an entry in ClinVar:

NM_000179.3(MSH6):c.3307T>C (p.Phe1103Leu)

Gene: MSH6 (mutS homolog 6; plus strand). Cytogenetic location: 2p16.3.
Variant type: single nucleotide variant.
Coding change: c.3307T>C on transcript NM_000179.3 (MANE Select); coding-DNA position 3307, T replaced by C.
Protein change: p.Phe1103Leu; replaces phenylalanine 1103 with leucine.
Molecular consequence: missense variant.
Genome position (GRCh38, 1-based): chr2:47,803,554, T>C. VCF-style: chr2-47803554-T-C. GRCh37 (hg19) VCF-style: chr2-48030693-T-C.
Other names: c.2917T>C, p.Phe973Leu (NM_001281492.2); c.2401T>C, p.Phe801Leu (NM_001281493.2, NM_001281494.2); short protein forms F1103L, F801L, F973L.
Identifiers: ClinVar variation 495713 (VCV000495713.20), dbSNP rs1553331522, ClinGen allele CA346758567.

ClinVar aggregate classification (germline): Uncertain significance. Review status: criteria provided, multiple submitters, no conflicts (2 of 4 stars). 7 submissions from 7 submitters: Uncertain significance (7). Last evaluated 2026-01-19.

Conditions:
Hereditary cancer-predisposing syndrome. Also called: Tumor predisposition; Neoplastic Syndromes, Hereditary; Hereditary neoplastic syndrome; Hereditary Cancer Syndrome. Identifiers: Orphanet 140162, MedGen C0027672, MeSH D009386, MONDO:0015356.
Lynch syndrome. Identifiers: Orphanet 144, MedGen C4552100, MONDO:0005835. Disease mechanism: loss of function.
Hereditary nonpolyposis colorectal neoplasms. Identifiers: MedGen C0009405, MeSH D003123.

gnomAD v4.1: 2 of 1,614,160 alleles (0.00012%); highest among the groups gnomAD compares: Non-Finnish European, 0.00017%; no homozygotes.

Submissions (7):

Labcorp Genetics (formerly Invitae), Labcorp
Classification: Uncertain significance for Hereditary nonpolyposis colorectal neoplasms. Last evaluated: 2026-01-19. Review status: criteria provided, single submitter. Criteria: Invitae Variant Classification Sherloc (09022015). Collection method: clinical testing. Allele origin: germline.
Comment: This sequence change replaces phenylalanine, which is neutral and non-polar, with leucine, which is neutral and non-polar, at codon 1103 of the MSH6 protein (p.Phe1103Leu). This variant is not present in population databases (gnomAD no frequency). This variant has not been reported in the literature in individuals affected with MSH6-related conditions. ClinVar contains an entry for this variant (Variation ID: 495713). Invitae Evidence Modeling of protein sequence and biophysical properties (such as structural, functional, and spatial information, amino acid conservation, physicochemical variation, residue mobility, and thermodynamic stability) indicates that this missense variant is not expected to disrupt MSH6 protein function with a negative predictive value of 95%. In summary, the available evidence is currently insufficient to determine the role of this variant in disease. Therefore, it has been classified as a Variant of Uncertain Significance.

Quest Diagnostics Nichols Institute San Juan Capistrano
Classification: Uncertain significance. Last evaluated: 2025-02-18. Review status: criteria provided, single submitter. Criteria: Quest Diagnostics criteria. Collection method: clinical testing. Allele origin: unknown.
Comment: The MSH6 c.3307T>C (p.Phe1103Leu) variant has been identified in a reportedly healthy individual (PMID: 33471991 (2021), see also LOVD). This variant has not been reported in large, multi-ethnic general populations (Genome Aggregation Database). Analysis of this variant using bioinformatics tools for the prediction of the effect of amino acid changes on protein structure and function yielded predictions that this variant is benign. Based on the available information, we are unable to determine the clinical significance of this variant.

All of Us Research Program, National Institutes of Health
Classification: Uncertain significance for Lynch syndrome. Last evaluated: 2024-08-06. Review status: criteria provided, single submitter. Criteria: ACMG Guidelines, 2015. Collection method: clinical testing. Allele origin: germline. Inheritance: Autosomal dominant inheritance. Observed: 2 variant alleles, 2 heterozygotes.
Comment: This missense variant replaces phenylalanine with leucine at codon 1103 of the MSH6 protein. Computational prediction is inconclusive regarding the impact of this variant on protein structure and function (internally defined REVEL score threshold 0.5 < inconclusive < 0.7, PMID: 27666373). To our knowledge, functional studies have not been reported for this variant. This variant has not been reported in individuals affected with hereditary cancer in the literature. This variant has not been identified in the general population by the Genome Aggregation Database (gnomAD). The available evidence is insufficient to determine the role of this variant in disease conclusively. Therefore, this variant is classified as a Variant of Uncertain Significance.

This study involves interpretation of variants in research participants for the purpose of population health screening. Participant phenotype was not available at the time of variant classification. Additional details can be found in publication PMID: 35346344, PMCID: PMC8962531

Ambry Genetics
Classification: Uncertain significance for Hereditary cancer-predisposing syndrome. Last evaluated: 2024-05-17. Review status: criteria provided, single submitter. Criteria: Ambry Variant Classification Scheme 2023. Collection method: clinical testing. Allele origin: germline.
Comment: The p.F1103L variant (also known as c.3307T>C), located in coding exon 5 of the MSH6 gene, results from a T to C substitution at nucleotide position 3307. The phenylalanine at codon 1103 is replaced by leucine, an amino acid with highly similar properties. This amino acid position is highly conserved in available vertebrate species. In addition, this alteration is predicted to be deleterious by in silico analysis. Since supporting evidence is limited at this time, the clinical significance of this alteration remains unclear.

Color Diagnostics, LLC DBA Color Health
Classification: Uncertain significance for Hereditary cancer-predisposing syndrome. Last evaluated: 2024-03-06. Review status: criteria provided, single submitter. Criteria: ACMG Guidelines, 2015. Collection method: clinical testing. Allele origin: germline.
Comment: This missense variant replaces phenylalanine with leucine at codon 1103 of the MSH6 protein. Computational prediction is inconclusive regarding the impact of this variant on protein structure and function (internally defined REVEL score threshold 0.5 < inconclusive < 0.7, PMID: 27666373). To our knowledge, functional studies have not been reported for this variant. This variant has not been reported in individuals affected with hereditary cancer in the literature. This variant has not been identified in the general population by the Genome Aggregation Database (gnomAD). The available evidence is insufficient to determine the role of this variant in disease conclusively. Therefore, this variant is classified as a Variant of Uncertain Significance.

GeneDx
Classification: Uncertain significance. Last evaluated: 2024-01-26. Review status: criteria provided, single submitter. Criteria: GeneDx Variant Classification Process June 2021. Collection method: clinical testing. Allele origin: germline. Affected: yes.
Comment: Not observed at significant frequency in large population cohorts (gnomAD); In silico analysis supports that this missense variant does not alter protein structure/function; Has not been previously published as pathogenic or benign to our knowledge; This variant is associated with the following publications: (PMID: 17531815, 21120944)

Women's Health and Genetics/Laboratory Corporation of America, LabCorp
Classification: Uncertain significance. Last evaluated: 2016-03-07. Review status: criteria provided, single submitter. Criteria: LabCorp Variant Classification Summary - May 2015. Collection method: clinical testing. Allele origin: germline.

Literature cited by the submitters: PubMed 33471991 (cited by Quest Diagnostics Nichols Institute San Juan Capistrano).